The following is an entry in ClinVar:

NM_000891.3(KCNJ2):c.102G>C (p.Lys34Asn)

Gene: KCNJ2 (potassium inwardly rectifying channel subfamily J member 2; plus strand). Cytogenetic location: 17q24.3.
Variant type: single nucleotide variant.
Coding change: c.102G>C on transcript NM_000891.3 (MANE Select); coding-DNA position 102, G replaced by C.
Protein change: p.Lys34Asn; replaces lysine 34 with asparagine.
Molecular consequence: missense variant.
Genome position (GRCh38, 1-based): chr17:70,175,141, G>C. VCF-style: chr17-70175141-G-C. GRCh37 (hg19) VCF-style: chr17-68171282-G-C.
Other names: c.102G>C (NM_000891.2); short protein forms K34N.
Identifiers: ClinVar variation 1522998 (VCV001522998.9), dbSNP rs1476737505, ClinGen allele CA400859865.

ClinVar aggregate classification (germline): Conflicting classifications of pathogenicity. Review status: criteria provided, conflicting classifications (1 of 4 stars). 3 submissions from 3 submitters: Uncertain significance (2); Benign (1). Last evaluated 2025-09-05.

Conditions:
Cardiovascular phenotype. Identifiers: MedGen CN230736.
Andersen Tawil syndrome (LQT7). Also called: ANDERSEN CARDIODYSRHYTHMIC PERIODIC PARALYSIS; Andersen Syndrome; LONG QT SYNDROME 7; PERIODIC PARALYSIS, POTASSIUM-SENSITIVE CARDIODYSRHYTHMIC TYPE; Potassium-sensitive periodic paralysis, ventricular ectopy, and dysmorphic features. Identifiers: Orphanet 37553, MedGen C1563715, MONDO:0008222, OMIM 170390.
Short QT syndrome type 3. Identifiers: Orphanet 51083, MedGen C1865018, MONDO:0012314, OMIM 609622.

Allele frequency attached by ClinVar (database versions not stated): gnomAD exomes 0.00001; TOPMed 0.00001.
gnomAD v4.1: 3 of 1,614,192 alleles (0.00019%); highest among the groups gnomAD compares: Admixed American, 0.005%; no homozygotes.

Submissions (3):

GeneDx
Classification: Uncertain significance. Last evaluated: 2025-09-05. Review status: criteria provided, single submitter. Criteria: GeneDx Variant Classification Process June 2021. Collection method: clinical testing. Allele origin: germline.
Comment: Not observed at significant frequency in large population cohorts (gnomAD); In silico analysis supports that this missense variant does not alter protein structure/function; Has not been previously published as pathogenic or benign to our knowledge

Labcorp Genetics (formerly Invitae), Labcorp
Classification: Uncertain significance for Short QT syndrome type 3; Andersen Tawil syndrome. Last evaluated: 2025-03-03. Review status: criteria provided, single submitter. Criteria: Invitae Variant Classification Sherloc (09022015). Collection method: clinical testing. Allele origin: germline.
Comment: This sequence change replaces lysine, which is basic and polar, with asparagine, which is neutral and polar, at codon 34 of the KCNJ2 protein (p.Lys34Asn). This variant is present in population databases (no rsID available, gnomAD 0.006%). This variant has not been reported in the literature in individuals affected with KCNJ2-related conditions. ClinVar contains an entry for this variant (Variation ID: 1522998). Invitae Evidence Modeling of protein sequence and biophysical properties (such as structural, functional, and spatial information, amino acid conservation, physicochemical variation, residue mobility, and thermodynamic stability) indicates that this missense variant is not expected to disrupt KCNJ2 protein function with a negative predictive value of 95%. In summary, the available evidence is currently insufficient to determine the role of this variant in disease. Therefore, it has been classified as a Variant of Uncertain Significance.

Ambry Genetics
Classification: Benign for Cardiovascular phenotype. Last evaluated: 2023-02-13. Review status: criteria provided, single submitter. Criteria: Ambry Variant Classification Scheme 2023. Collection method: clinical testing. Allele origin: germline.